The following is an entry in ClinVar:

NM_001375567.1(FOCAD):c.2988A>G (p.Lys996=)

Gene: FOCAD (focadhesin; plus strand). Cytogenetic location: 9p21.3.
Variant type: single nucleotide variant.
Coding change: c.2988A>G on transcript NM_001375567.1 (MANE Select); coding-DNA position 2988, A replaced by G.
Protein change: p.Lys996=; no amino-acid change (lysine 996 retained).
Molecular consequence: synonymous variant.
Genome position (GRCh38, 1-based): chr9:20,926,327, A>G. VCF-style: chr9-20926327-A-G. GRCh37 (hg19) VCF-style: chr9-20926326-A-G.
Other names: c.2883A>G, p.Lys961= (NM_001375568.1, NM_001375570.1); c.2988A>G, p.Lys996= (NM_017794.5).
Identifiers: ClinVar variation 3347772 (VCV003347772.3).

ClinVar aggregate classification (germline): Likely benign. Review status: criteria provided, single submitter (1 of 4 stars). 2 submissions from 2 submitters: Likely benign (1). 1 of the submissions does not count toward it. Last evaluated 2025-10-19.

Conditions:
FOCAD-related disorder. Also called: FOCAD-related condition.

gnomAD v4.1: 151 of 1,612,524 alleles (0.0094%); highest among the groups gnomAD compares: Middle Eastern, 0.083%; 1 homozygote.

Submissions (2):

Labcorp Genetics (formerly Invitae), Labcorp
Classification: Likely benign. Last evaluated: 2025-10-19. Review status: criteria provided, single submitter. Criteria: Invitae Variant Classification Sherloc (09022015). Collection method: clinical testing. Allele origin: germline.

PreventionGenetics, part of Exact Sciences
Classification: Uncertain significance for FOCAD-related condition. Last evaluated: 2024-08-06. Review status: no assertion criteria provided. Collection method: clinical testing. Allele origin: germline. Not counted in ClinVar's aggregate classification.
Comment: The FOCAD c.2988A>G is a noncoding alteration. To our knowledge, this variant has not been reported in the literature. This variant is reported in 0.048% of alleles in individuals of African descent in gnomAD, which may be too common to be a primary cause of disease. This variant has not been reported in ClinVar. Although we suspect that this variant may be benign, at this time, the clinical significance of this variant is uncertain due to the absence of conclusive functional and genetic evidence.